The following is an entry in ClinVar:

NM_004304.5(ALK):c.3225C>A (p.Ser1075Arg)

Gene: ALK (ALK receptor tyrosine kinase; minus strand). Cytogenetic location: 2p23.2.
Variant type: single nucleotide variant.
Coding change: c.3225C>A on transcript NM_004304.5 (MANE Select); coding-DNA position 3225, C replaced by A.
Protein change: p.Ser1075Arg; replaces serine 1075 with arginine.
Molecular consequence: missense variant.
Genome position (GRCh38, 1-based): chr2:29,223,476, G>T on the plus strand (C>A on the coding strand, the complement: ALK is on the minus strand). VCF-style: chr2-29223476-G-T. GRCh37 (hg19) VCF-style: chr2-29446342-G-T.
Other names: c.21C>A, p.Ser7Arg (NM_001353765.2); short protein forms S1075R, S7R.
Identifiers: ClinVar variation 1021162 (VCV001021162.9), dbSNP rs1669865494, ClinGen allele CA346465452.

ClinVar aggregate classification (germline): Uncertain significance (1 of 4 stars; one submission).

Conditions:
Neuroblastoma, susceptibility to, 3. Also called: ALK-Related Neuroblastic Tumor Susceptibility. Identifiers: Orphanet 635, MedGen C2751681, MONDO:0013083, OMIM 613014.

Submission:

Labcorp Genetics (formerly Invitae), Labcorp
Classification: Uncertain significance for Neuroblastoma, susceptibility to, 3. Last evaluated: 2020-02-04. Review status: criteria provided, single submitter. Criteria: Invitae Variant Classification Sherloc (09022015). Collection method: clinical testing. Allele origin: germline.
Comment: This sequence change replaces serine with arginine at codon 1075 of the ALK protein (p.Ser1075Arg). The serine residue is highly conserved and there is a moderate physicochemical difference between serine and arginine. In summary, the available evidence is currently insufficient to determine the role of this variant in disease. Therefore, it has been classified as a Variant of Uncertain Significance. Algorithms developed to predict the effect of missense changes on protein structure and function (SIFT, PolyPhen-2, Align-GVGD) all suggest that this variant is likely to be disruptive, but these predictions have not been confirmed by published functional studies and their clinical significance is uncertain. This variant has not been reported in the literature in individuals with ALK-related conditions. This variant is not present in population databases (ExAC no frequency).